The following is an entry in ClinVar:

NM_007325.5(GRIA3):c.862G>C (p.Val288Leu)

Gene: GRIA3 (glutamate ionotropic receptor AMPA type subunit 3; plus strand). Cytogenetic location: Xq25.
Variant type: single nucleotide variant.
Coding change: c.862G>C on transcript NM_007325.5 (MANE Select); coding-DNA position 862, G replaced by C.
Protein change: p.Val288Leu; replaces valine 288 with leucine.
Molecular consequence: missense variant.
Genome position (GRCh38, 1-based): chrX:123,395,079, G>C. VCF-style: chrX-123395079-G-C. GRCh37 (hg19) VCF-style: chrX-122528930-G-C.
Other names: c.862G>C, p.Val288Leu (NM_000828.5); short protein forms V288L.
Identifiers: ClinVar variation 3695789 (VCV003695789.2).

ClinVar aggregate classification (germline): Uncertain significance (1 of 4 stars; one submission).

Submission:

Labcorp Genetics (formerly Invitae), Labcorp
Classification: Uncertain significance. Last evaluated: 2024-04-12. Review status: criteria provided, single submitter. Criteria: Invitae Variant Classification Sherloc (09022015). Collection method: clinical testing. Allele origin: germline.
Comment: This sequence change replaces valine, which is neutral and non-polar, with leucine, which is neutral and non-polar, at codon 288 of the GRIA3 protein (p.Val288Leu). This variant is not present in population databases (gnomAD no frequency). This variant has not been reported in the literature in individuals affected with GRIA3-related conditions. Advanced modeling of protein sequence and biophysical properties (such as structural, functional, and spatial information, amino acid conservation, physicochemical variation, residue mobility, and thermodynamic stability) performed at Invitae indicates that this missense variant is not expected to disrupt GRIA3 protein function with a negative predictive value of 80%. In summary, the available evidence is currently insufficient to determine the role of this variant in disease. Therefore, it has been classified as a Variant of Uncertain Significance.